The following is an entry in ClinVar:

ClinVar aggregate classification (germline): Uncertain significance (1 of 4 stars; one submission).

gnomAD v4.1: 5 of 1,613,842 alleles (0.00031%); highest among the groups gnomAD compares: African/African-American, 0.0013%; no homozygotes.

Submission:

Ambry Genetics
Classification: Uncertain significance. Last evaluated: 2025-03-03. Review status: criteria provided, single submitter. Criteria: Ambry Variant Classification Scheme 2023. Collection method: clinical testing. Allele origin: germline.
Comment: The p.I598T variant (also known as c.1793T>C), located in coding exon 18 of the SRP72 gene, results from a T to C substitution at nucleotide position 1793. The isoleucine at codon 598 is replaced by threonine, an amino acid with similar properties. This amino acid position is conserved. In addition, the in silico prediction for this alteration is inconclusive. Based on the available evidence, the clinical significance of this variant remains unclear.

NM_006947.4(SRP72):c.1793T>C (p.Ile598Thr)

Gene: SRP72 (signal recognition particle 72; plus strand). Cytogenetic location: 4q12.
Variant type: single nucleotide variant.
Coding change: c.1793T>C on transcript NM_006947.4 (MANE Select); coding-DNA position 1793, T replaced by C.
Protein change: p.Ile598Thr; replaces isoleucine 598 with threonine.
Molecular consequence: missense variant. On other transcripts: non-coding transcript variant (1).
Genome position (GRCh38, 1-based): chr4:56,500,650, T>C. VCF-style: chr4-56500650-T-C. GRCh37 (hg19) VCF-style: chr4-57366816-T-C.
Other names: c.1610T>C, p.Ile537Thr (NM_001267722.2); short protein forms I537T, I598T.
Identifiers: ClinVar variation 3801509 (VCV003801509.1).